The following is an entry in ClinVar:

NM_000321.3(RB1):c.1164T>C (p.Ile388=)

Gene: RB1 (RB transcriptional corepressor 1; plus strand). Cytogenetic location: 13q14.2.
Variant type: single nucleotide variant.
Coding change: c.1164T>C on transcript NM_000321.3 (MANE Select); coding-DNA position 1164, T replaced by C.
Protein change: p.Ile388=; no amino-acid change (isoleucine 388 retained).
Molecular consequence: synonymous variant.
Genome position (GRCh38, 1-based): chr13:48,373,441, T>C. VCF-style: chr13-48373441-T-C. GRCh37 (hg19) VCF-style: chr13-48947577-T-C.
Other names: c.1164T>C, p.Ile388= (NM_001407165.1, NM_001407166.1).
Identifiers: ClinVar variation 3787241 (VCV003787241.2).

ClinVar aggregate classification (germline): Benign/Likely benign. Review status: criteria provided, multiple submitters, no conflicts (2 of 4 stars). 2 submissions from 2 submitters: Benign (1); Likely benign (1). Last evaluated 2026-06-24.

Conditions:
Retinoblastoma (RB1). Also called: RETINOBLASTOMA, SOMATIC. Identifiers: Orphanet 790, MedGen C0035335, MeSH D012175, MONDO:0008380, OMIM 180200, HP:0009919. Disease mechanism: loss of function. Inheritance: Both sporadic and heritable forms are tested..
Hereditary cancer-predisposing syndrome. Also called: Neoplastic Syndromes, Hereditary; Tumor predisposition; Hereditary Cancer Syndrome; Hereditary neoplastic syndrome. Identifiers: Orphanet 140162, MedGen C0027672, MeSH D009386, MONDO:0015356.

gnomAD v4.1: 1 of 1,599,030 alleles (0.000063%); highest among the groups gnomAD compares: African/African-American, 0.0013%; no homozygotes.

Submissions (2):

Myriad Genetics, Inc.
Classification: Benign for Retinoblastoma. Last evaluated: 2026-06-24. Review status: criteria provided, single submitter. Criteria: Myriad Autosomal Dominant, Autosomal Recessive and X-Linked Classification Criteria (2023). Collection method: clinical testing. Allele origin: unknown.
Comment: This variant is considered benign. This variant is a silent/synonymous amino acid change and it is not expected to impact splicing.

Ambry Genetics
Classification: Likely benign for Hereditary cancer-predisposing syndrome. Last evaluated: 2024-12-12. Review status: criteria provided, single submitter. Criteria: Ambry Variant Classification Scheme 2023. Collection method: clinical testing. Allele origin: germline.